The following is an entry in ClinVar:

NM_000143.4(FH):c.1366G>T (p.Val456Leu)

Gene: FH (fumarate hydratase; minus strand). Cytogenetic location: 1q43.
Variant type: single nucleotide variant.
Coding change: c.1366G>T on transcript NM_000143.4 (MANE Select); coding-DNA position 1366, G replaced by T.
Protein change: p.Val456Leu; replaces valine 456 with leucine.
Molecular consequence: missense variant.
Genome position (GRCh38, 1-based): chr1:241,500,461, C>A on the plus strand (G>T on the coding strand, the complement: FH is on the minus strand). VCF-style: chr1-241500461-C-A. GRCh37 (hg19) VCF-style: chr1-241663761-C-A.
Other names: short protein forms V456L.
Identifiers: ClinVar variation 4257325 (VCV004257325.1).

ClinVar aggregate classification (germline): Uncertain significance (1 of 4 stars; one submission).

Conditions:
Hereditary cancer-predisposing syndrome. Also called: Hereditary Cancer Syndrome; Hereditary neoplastic syndrome; Neoplastic Syndromes, Hereditary; Tumor predisposition. Identifiers: Orphanet 140162, MedGen C0027672, MeSH D009386, MONDO:0015356.

Submission:

Ambry Genetics
Classification: Uncertain significance for Hereditary cancer-predisposing syndrome. Last evaluated: 2025-07-18. Review status: criteria provided, single submitter. Criteria: Ambry Variant Classification Scheme 2023. Collection method: clinical testing. Allele origin: germline.
Comment: The p.V456L variant (also known as c.1366G>T), located in coding exon 9 of the FH gene, results from a G to T substitution at nucleotide position 1366. The valine at codon 456 is replaced by leucine, an amino acid with highly similar properties. This amino acid position is highly conserved in available vertebrate species. In addition, this alteration is predicted to be deleterious by in silico analysis. Based on the available evidence, the clinical significance of this variant remains unclear.